The following is an entry in ClinVar:

NM_182914.3(SYNE2):c.4844C>A (p.Pro1615His)

Gene: SYNE2 (spectrin repeat containing nuclear envelope protein 2; plus strand). Cytogenetic location: 14q23.2.
Variant type: single nucleotide variant.
Coding change: c.4844C>A on transcript NM_182914.3 (MANE Select); coding-DNA position 4844, C replaced by A.
Protein change: p.Pro1615His; replaces proline 1615 with histidine.
Molecular consequence: missense variant.
Genome position (GRCh38, 1-based): chr14:64,016,588, C>A. VCF-style: chr14-64016588-C-A. GRCh37 (hg19) VCF-style: chr14-64483306-C-A.
Other names: c.4844C>A, p.Pro1615His (NM_015180.6); short protein forms P1615H.
Identifiers: ClinVar variation 2082246 (VCV002082246.4), dbSNP rs2551074220, ClinGen allele CA389937445.

ClinVar aggregate classification (germline): Uncertain significance (1 of 4 stars; one submission).

Conditions:
Emery-Dreifuss muscular dystrophy 5, autosomal dominant (EDMD5). Also called: EMERY-DREIFUSS MUSCULAR DYSTROPHY 5. Identifiers: Orphanet 261, MedGen C2751805, MONDO:0013072, OMIM 612999.

Submission:

Labcorp Genetics (formerly Invitae), Labcorp
Classification: Uncertain significance for Emery-Dreifuss muscular dystrophy 5, autosomal dominant. Last evaluated: 2022-09-02. Review status: criteria provided, single submitter. Criteria: Invitae Variant Classification Sherloc (09022015). Collection method: clinical testing. Allele origin: germline.
Comment: This sequence change replaces proline, which is neutral and non-polar, with histidine, which is basic and polar, at codon 1615 of the SYNE2 protein (p.Pro1615His). This variant is not present in population databases (gnomAD no frequency). This variant has not been reported in the literature in individuals affected with SYNE2-related conditions. Algorithms developed to predict the effect of missense changes on protein structure and function are either unavailable or do not agree on the potential impact of this missense change (SIFT: "Tolerated"; PolyPhen-2: "Probably Damaging"; Align-GVGD: "Class C0"). In summary, the available evidence is currently insufficient to determine the role of this variant in disease. Therefore, it has been classified as a Variant of Uncertain Significance.